The following is an entry in ClinVar:

ClinVar aggregate classification (germline): Uncertain significance (1 of 4 stars; one submission).

Conditions:
Hereditary cancer-predisposing syndrome. Also called: Hereditary neoplastic syndrome; Hereditary Cancer Syndrome; Neoplastic Syndromes, Hereditary; Tumor predisposition. Identifiers: Orphanet 140162, MedGen C0027672, MeSH D009386, MONDO:0015356.

Submission:

Ambry Genetics
Classification: Uncertain significance for Hereditary cancer-predisposing syndrome. Last evaluated: 2023-05-09. Review status: criteria provided, single submitter. Criteria: Ambry Variant Classification Scheme 2023. Collection method: clinical testing. Allele origin: germline.
Comment: The p.N181T variant (also known as c.542A>C), located in coding exon 5 of the CDH1 gene, results from an A to C substitution at nucleotide position 542. The asparagine at codon 181 is replaced by threonine, an amino acid with similar properties. This amino acid position is not well conserved in available vertebrate species. In addition, this alteration is predicted to be tolerated by in silico analysis. Since supporting evidence is limited at this time, the clinical significance of this alteration remains unclear.

NM_004360.5(CDH1):c.542A>C (p.Asn181Thr)

Gene: CDH1 (cadherin 1; plus strand). Cytogenetic location: 16q22.1.
Variant type: single nucleotide variant.
Coding change: c.542A>C on transcript NM_004360.5 (MANE Select); coding-DNA position 542, A replaced by C.
Protein change: p.Asn181Thr; replaces asparagine 181 with threonine.
Molecular consequence: missense variant. On other transcripts: 5 prime UTR variant (2).
Genome position (GRCh38, 1-based): chr16:68,808,703, A>C. VCF-style: chr16-68808703-A-C. GRCh37 (hg19) VCF-style: chr16-68842606-A-C.
Other names: c.542A>C, p.Asn181Thr (NM_001317184.2); c.-1074A>C (NM_001317185.2); c.-1278A>C (NM_001317186.2); short protein forms N181T.
Identifiers: ClinVar variation 2567609 (VCV002567609.2), dbSNP rs2152130055, ClinGen allele CA396457861.